The following is an entry in ClinVar:

NM_001458.5(FLNC):c.1938T>A (p.Asp646Glu)

Gene: FLNC (filamin C; plus strand). Cytogenetic location: 7q32.1.
Variant type: single nucleotide variant.
Coding change: c.1938T>A on transcript NM_001458.5 (MANE Select); coding-DNA position 1938, T replaced by A.
Protein change: p.Asp646Glu; replaces aspartic acid 646 with glutamic acid.
Molecular consequence: missense variant.
Genome position (GRCh38, 1-based): chr7:128,841,294, T>A. VCF-style: chr7-128841294-T-A. GRCh37 (hg19) VCF-style: chr7-128481348-T-A.
Other names: c.1938T>A, p.Asp646Glu (NM_001127487.2); c.1938T>A (NM_001458.4); short protein forms D646E.
Identifiers: ClinVar variation 1382477 (VCV001382477.7), dbSNP rs1347868577, ClinGen allele CA369227406.

ClinVar aggregate classification (germline): Conflicting classifications of pathogenicity. Review status: criteria provided, conflicting classifications (1 of 4 stars). 2 submissions from 2 submitters: Uncertain significance (1); Likely benign (1). Last evaluated 2024-02-10.

Conditions:
Cardiovascular phenotype. Identifiers: MedGen CN230736.
Myofibrillar myopathy 5. Also called: Filaminopathy (type); FILAMINOPATHY, AUTOSOMAL DOMINANT. Identifiers: Orphanet 171445, MedGen C1836050, MONDO:0012289, OMIM 609524.
Distal myopathy with posterior leg and anterior hand involvement. Also called: WILLIAMS DISTAL MYOPATHY. Identifiers: Orphanet 63273, MedGen C3279722, MONDO:0013550, OMIM 614065.
Hypertrophic cardiomyopathy 26. Also called: Cardiomyopathy, familial hypertrophic, 26. Identifiers: Orphanet 75249, MedGen C4310749, MONDO:0014883, OMIM 617047.

Allele frequency attached by ClinVar (database versions not stated): gnomAD exomes below 0.00001.
gnomAD v4.1: 1 of 1,614,094 alleles (0.000062%); highest among the groups gnomAD compares: African/African-American, 0.0013%; no homozygotes.

Submissions (2):

Ambry Genetics
Classification: Uncertain significance for Cardiovascular phenotype. Last evaluated: 2024-02-10. Review status: criteria provided, single submitter. Criteria: Ambry Variant Classification Scheme 2023. Collection method: clinical testing. Allele origin: germline.
Comment: The p.D646E variant (also known as c.1938T>A), located in coding exon 12 of the FLNC gene, results from a T to A substitution at nucleotide position 1938. The aspartic acid at codon 646 is replaced by glutamic acid, an amino acid with highly similar properties. This amino acid position is conserved. In addition, the in silico prediction for this alteration is inconclusive. Based on the available evidence, the clinical significance of this alteration remains unclear.

Labcorp Genetics (formerly Invitae), Labcorp
Classification: Likely benign for Distal myopathy with posterior leg and anterior hand involvement; Myofibrillar myopathy 5; Hypertrophic cardiomyopathy 26. Last evaluated: 2023-09-27. Review status: criteria provided, single submitter. Criteria: Invitae Variant Classification Sherloc (09022015). Collection method: clinical testing. Allele origin: germline.